The following is an entry in ClinVar:

NM_000709.4(BCKDHA):c.416del (p.Gly139fs)

Gene: BCKDHA (branched chain keto acid dehydrogenase E1 subunit alpha; plus strand). Cytogenetic location: 19q13.2.
Variant type: Deletion.
Coding change: c.416del on transcript NM_000709.4 (MANE Select); coding-DNA position 416, one base deleted (G; older notation c.416delG).
Protein change: p.Gly139fs; shifts the reading frame from glycine 139.
Molecular consequence: frameshift variant.
Genome position (GRCh38, 1-based): chr19:41,414,089, G deleted; the last of 3 consecutive G bases (chr19:41,414,087-41,414,089); deleting any one gives the same sequence. VCF-style (leftmost placement, unchanged base first): chr19-41414086-AG-A. GRCh37 (hg19) VCF-style: chr19-41919991-AG-A.
Other names: c.416del, p.Gly139fs (NM_001164783.2); short protein forms G139fs.
Identifiers: ClinVar variation 2845912 (VCV002845912.4), dbSNP rs2513454359, ClinGen allele CA2739276856.
Genomic context (GRCh38, chr19:41,414,086, plus strand): 5'-CCCGGTCCCCTCTACACCCCCAGGGCCGGATCTCCTTCTACATGACCAACTATGGTGAGG[AG>A]GGCACGCACGTGGGGAGTGCCGCCGCCCTGGACAACACGGACCTGGTGTTTGGCCAGTAC-3'

ClinVar aggregate classification (germline): Pathogenic. Review status: criteria provided, multiple submitters, no conflicts (2 of 4 stars). 2 submissions from 2 submitters: Pathogenic (2). Last evaluated 2024-04-12.

Conditions:
Maple syrup urine disease type 1A (MSUD1A). Also called: MSUD type 1A. Identifiers: MedGen C1855369, MONDO:0023691, OMIM 248600.
Maple syrup urine disease (MSUD). Identifiers: Orphanet 511, MedGen C0024776, MeSH D008375, MONDO:0009563. Disease mechanism: loss of function.

Submissions (2):

Myriad Genetics, Inc.
Classification: Pathogenic for Maple syrup urine disease type 1A. Last evaluated: 2024-04-12. Review status: criteria provided, single submitter. Criteria: Myriad Autosomal Dominant, Autosomal Recessive and X-Linked Classification Criteria (2023). Collection method: clinical testing. Allele origin: unknown.
Comment: NM_000709.3(BCKDHA):c.416delG(G139Afs*26) is expected to be pathogenic in the context of maple syrup urine disease type Ia. This variant is predicted to lead to an abnormal or absent protein product due to the creation of a premature termination codon in BCKDHA, a gene where loss-of-function variants are known to be pathogenic. Please note: this variant was assessed in the context of healthy population screening.

Labcorp Genetics (formerly Invitae), Labcorp
Classification: Pathogenic for Maple syrup urine disease. Last evaluated: 2023-03-14. Review status: criteria provided, single submitter. Criteria: Invitae Variant Classification Sherloc (09022015). Collection method: clinical testing. Allele origin: germline.
Comment: For these reasons, this variant has been classified as Pathogenic. This variant has not been reported in the literature in individuals affected with BCKDHA-related conditions. This variant is not present in population databases (gnomAD no frequency). This sequence change creates a premature translational stop signal (p.Gly139Alafs*26) in the BCKDHA gene. It is expected to result in an absent or disrupted protein product. Loss-of-function variants in BCKDHA are known to be pathogenic (PMID: 16786533, 22593002).

Literature cited by the submitters: PubMed 16786533 (cited by Labcorp Genetics (formerly Invitae), Labcorp); PubMed 22593002 (cited by Labcorp Genetics (formerly Invitae), Labcorp).